The following is an entry in ClinVar:

NM_001035.3(RYR2):c.8995A>G (p.Lys2999Glu)

Gene: RYR2 (ryanodine receptor 2; plus strand). Cytogenetic location: 1q43.
Variant type: single nucleotide variant.
Coding change: c.8995A>G on transcript NM_001035.3 (MANE Select); coding-DNA position 8995, A replaced by G.
Protein change: p.Lys2999Glu; replaces lysine 2999 with glutamic acid.
Molecular consequence: missense variant.
Genome position (GRCh38, 1-based): chr1:237,680,555, A>G. VCF-style: chr1-237680555-A-G. GRCh37 (hg19) VCF-style: chr1-237843855-A-G.
Other names: c.8995A>G (NM_001035.2); short protein forms K2999E.
Identifiers: ClinVar variation 2154208 (VCV002154208.6), dbSNP rs2148936835, ClinGen allele CA345404574.

ClinVar aggregate classification (germline): Uncertain significance. Review status: criteria provided, multiple submitters, no conflicts (2 of 4 stars). 3 submissions from 3 submitters: Uncertain significance (3). Last evaluated 2026-03-27.

Conditions:
Catecholaminergic polymorphic ventricular tachycardia 1. Also called: VENTRICULAR TACHYCARDIA, CATECHOLAMINERGIC POLYMORPHIC, 1, WITH OR WITHOUT ATRIAL DYSFUNCTION AND/OR DILATED CARDIOMYOPATHY; RYR2-Related Catecholaminergic Polymorphic Ventricular Tachycardia; VENTRICULAR TACHYCARDIA, STRESS-INDUCED POLYMORPHIC 1. Identifiers: Orphanet 3286, MedGen C1631597, MONDO:0011484, OMIM 604772.

Submissions (3):

Women's Health and Genetics/Laboratory Corporation of America, LabCorp
Classification: Uncertain significance. Last evaluated: 2026-03-27. Review status: criteria provided, single submitter. Criteria: LabCorp Variant Classification Summary - May 2015. Collection method: clinical testing. Allele origin: germline.

GeneDx
Classification: Uncertain significance. Last evaluated: 2023-01-27. Review status: criteria provided, single submitter. Criteria: GeneDx Variant Classification Process June 2021. Collection method: clinical testing. Allele origin: germline. Affected: yes.
Comment: Not observed at significant frequency in large population cohorts (gnomAD); In silico analysis supports that this missense variant has a deleterious effect on protein structure/function; Not located in one of the three hot-spot regions of the RYR2 gene, where the majority of pathogenic missense variants occur (Medeiros-Domingo et al., 2009); Has not been previously published as pathogenic or benign to our knowledge; This variant is associated with the following publications: (PMID: 19926015)

Labcorp Genetics (formerly Invitae), Labcorp
Classification: Uncertain significance for Catecholaminergic polymorphic ventricular tachycardia 1. Last evaluated: 2022-04-08. Review status: criteria provided, single submitter. Criteria: Invitae Variant Classification Sherloc (09022015). Collection method: clinical testing. Allele origin: germline.
Comment: This variant has not been reported in the literature in individuals affected with RYR2-related conditions. In summary, the available evidence is currently insufficient to determine the role of this variant in disease. Therefore, it has been classified as a Variant of Uncertain Significance. Algorithms developed to predict the effect of sequence changes on RNA splicing suggest that this variant may create or strengthen a splice site. Advanced modeling of protein sequence and biophysical properties (such as structural, functional, and spatial information, amino acid conservation, physicochemical variation, residue mobility, and thermodynamic stability) performed at Invitae indicates that this missense variant is expected to disrupt RYR2 protein function. This variant is not present in population databases (gnomAD no frequency). This sequence change replaces lysine, which is basic and polar, with glutamic acid, which is acidic and polar, at codon 2999 of the RYR2 protein (p.Lys2999Glu).